The following is an entry in ClinVar:

NM_006306.4(SMC1A):c.2870C>T (p.Ser957Phe)

Gene: SMC1A (structural maintenance of chromosomes 1A; minus strand). Cytogenetic location: Xp11.22.
Variant type: single nucleotide variant.
Coding change: c.2870C>T on transcript NM_006306.4 (MANE Select); coding-DNA position 2870, C replaced by T.
Protein change: p.Ser957Phe; replaces serine 957 with phenylalanine.
Molecular consequence: missense variant.
Genome position (GRCh38, 1-based): chrX:53,394,881, G>A on the plus strand (C>T on the coding strand, the complement: SMC1A is on the minus strand). VCF-style: chrX-53394881-G-A. GRCh37 (hg19) VCF-style: chrX-53421801-G-A.
Other names: c.2804C>T, p.Ser935Phe (NM_001281463.1); short protein forms S935F, S957F.
Identifiers: ClinVar variation 2580758 (VCV002580758.2), dbSNP rs2520885299, ClinGen allele CA413247584.
Genomic context (GRCh38, chrX:53,394,881, plus strand): 5'-GCCTCTCGTGCATAGATACTGGAAATTCTCTGTGAACCACTCACTGAGTCCTCCCCCTGG[G>A]AGCTACCCTGCAATGGCAACGGAGAGTCAAGTGGAGCAGACTGGCCATGAGAGTGCACCT-3'
Protein context (NP_006297.2, residues 947-967): MDDISQEEGS[Ser957Phe]QGEDSVSGSQ

ClinVar aggregate classification (germline): Likely pathogenic (1 of 4 stars; one submission).

Submission:

GeneDx
Classification: Likely pathogenic. Last evaluated: 2025-05-09. Review status: criteria provided, single submitter. Criteria: GeneDx Variant Classification Process June 2021. Collection method: clinical testing. Allele origin: germline.
Comment: Not observed at significant frequency in large population cohorts (gnomAD); Missense variants in this gene are a common cause of disease and they are underrepresented in the general population; In silico analysis supports that this missense variant has a deleterious effect on protein structure/function; Has not been previously published as pathogenic or benign to our knowledge